The following is an entry in ClinVar:

ClinVar aggregate classification (germline): Uncertain significance (1 of 4 stars; one submission).

Allele frequency attached by ClinVar (database versions not stated): gnomAD exomes below 0.00001.
gnomAD v4.1: 1 of 1,609,238 alleles (0.000062%); highest among the groups gnomAD compares: South Asian, 0.0011%; no homozygotes.

Submission:

Labcorp Genetics (formerly Invitae), Labcorp
Classification: Uncertain significance. Last evaluated: 2022-10-05. Review status: criteria provided, single submitter. Criteria: Invitae Variant Classification Sherloc (09022015). Collection method: clinical testing. Allele origin: germline.
Comment: This variant is not present in population databases (gnomAD no frequency). This sequence change replaces leucine, which is neutral and non-polar, with proline, which is neutral and non-polar, at codon 421 of the C7 protein (p.Leu421Pro). This variant has not been reported in the literature in individuals affected with C7-related conditions. ClinVar contains an entry for this variant (Variation ID: 1351472). Algorithms developed to predict the effect of missense changes on protein structure and function are either unavailable or do not agree on the potential impact of this missense change (SIFT: "Deleterious"; PolyPhen-2: "Probably Damaging"; Align-GVGD: "Class C0"). In summary, the available evidence is currently insufficient to determine the role of this variant in disease. Therefore, it has been classified as a Variant of Uncertain Significance.

NM_000587.4(C7):c.1262T>C (p.Leu421Pro)

Gene: C7 (complement C7; plus strand). Cytogenetic location: 5p13.1.
Variant type: single nucleotide variant.
Coding change: c.1262T>C on transcript NM_000587.4 (MANE Select); coding-DNA position 1262, T replaced by C.
Protein change: p.Leu421Pro; replaces leucine 421 with proline.
Molecular consequence: missense variant.
Genome position (GRCh38, 1-based): chr5:40,958,034, T>C. VCF-style: chr5-40958034-T-C. GRCh37 (hg19) VCF-style: chr5-40958136-T-C.
Other names: short protein forms L421P.
Identifiers: ClinVar variation 1351472 (VCV001351472.6), dbSNP rs1156578432, ClinGen allele CA359586054.